The following is an entry in ClinVar:

NM_000079.4(CHRNA1):c.711C>A (p.Asn237Lys)

Gene: CHRNA1 (cholinergic receptor nicotinic alpha 1 subunit; minus strand). Cytogenetic location: 2q31.1.
Variant type: single nucleotide variant.
Coding change: c.711C>A on transcript NM_000079.4 (MANE Select); coding-DNA position 711, C replaced by A.
Protein change: p.Asn237Lys; replaces asparagine 237 with lysine.
Molecular consequence: missense variant.
Genome position (GRCh38, 1-based): chr2:174,753,570, G>T on the plus strand (C>A on the coding strand, the complement: CHRNA1 is on the minus strand). VCF-style: chr2-174753570-G-T. GRCh37 (hg19) VCF-style: chr2-175618298-G-T.
Other names: c.786C>A, p.Asn262Lys (NM_001039523.3); short protein forms N237K, N262K.
Identifiers: ClinVar variation 466184 (VCV000466184.11), dbSNP rs137852798, ClinGen allele CA349339147.

ClinVar aggregate classification (germline): Pathogenic (1 of 4 stars; one submission).

Conditions:
Lethal multiple pterygium syndrome (LMPS). Identifiers: Orphanet 33108, MedGen C1854678, MONDO:0009668, OMIM 253290.

Submission:

Labcorp Genetics (formerly Invitae), Labcorp
Classification: Pathogenic for Lethal multiple pterygium syndrome. Last evaluated: 2019-03-19. Review status: criteria provided, single submitter. Criteria: Invitae Variant Classification Sherloc (09022015). Collection method: clinical testing. Allele origin: germline.
Comment: This missense change has been observed in individuals affected with autosomal dominant congenital myasthenic syndrome (PMID: 29395675, 8872460). This variant is also known as N217K in the literature. ClinVar contains an entry for this variant (Variation ID: 466184). Algorithms developed to predict the effect of sequence changes on RNA splicing suggest that this variant may create or strengthen a splice site, but this prediction has not been confirmed by published transcriptional studies. For these reasons, this variant has been classified as Pathogenic. This variant is not present in population databases (ExAC no frequency). This missense change has been reported to affect CHRNA1 protein function (PMID: 8872460). This sequence change replaces asparagine with lysine at codon 237 of the CHRNA1 protein (p.Asn237Lys). The asparagine residue is highly conserved and there is a moderate physicochemical difference between asparagine and lysine.

Literature cited by the submitters: PubMed 29395675; PubMed 8872460.